The following is an entry in ClinVar:

NM_005236.3(ERCC4):c.700A>C (p.Asn234His)

Gene: ERCC4 (ERCC excision repair 4, endonuclease catalytic subunit; plus strand). Cytogenetic location: 16p13.12.
Variant type: single nucleotide variant.
Coding change: c.700A>C on transcript NM_005236.3 (MANE Select); coding-DNA position 700, A replaced by C.
Protein change: p.Asn234His; replaces asparagine 234 with histidine.
Molecular consequence: missense variant.
Genome position (GRCh38, 1-based): chr16:13,928,143, A>C. VCF-style: chr16-13928143-A-C. GRCh37 (hg19) VCF-style: chr16-14022000-A-C.
Other names: short protein forms N234H.
Identifiers: ClinVar variation 1319876 (VCV001319876.7), dbSNP rs368218302, ClinGen allele CA7910252.

ClinVar aggregate classification (germline): Uncertain significance. Review status: criteria provided, multiple submitters, no conflicts (2 of 4 stars). 2 submissions from 2 submitters: Uncertain significance (2). Last evaluated 2025-07-21.

Conditions:
Fanconi anemia complementation group Q. Identifiers: Orphanet 84, MedGen C3808988, MONDO:0014108, OMIM 615272.
Xeroderma pigmentosum, group F (XPF). Also called: ERCC4-Related Xeroderma Pigmentosum; XERODERMA PIGMENTOSUM VI; XP, GROUP F; XERODERMA PIGMENTOSUM, COMPLEMENTATION GROUP F; XERODERMA PIGMENTOSUM, TYPE F; Xeroderma pigmentosum, type 6. Identifiers: MedGen C0268140, MONDO:0010215, OMIM 278760.
Cockayne syndrome. Identifiers: Orphanet 191, MedGen C0009207, MONDO:0016006.

Allele frequency attached by ClinVar (database versions not stated): ExAC 0.00002; gnomAD 0.00002; gnomAD exomes 0.00002; TOPMed 0.00002; ESP Exome Variant Server 0.00008.
gnomAD v4.1: 33 of 1,613,134 alleles (0.002%); highest among the groups gnomAD compares: Non-Finnish European, 0.0027%; no homozygotes.

Submissions (2):

Labcorp Genetics (formerly Invitae), Labcorp
Classification: Uncertain significance for Fanconi anemia complementation group Q; Xeroderma pigmentosum, group F; Cockayne syndrome. Last evaluated: 2025-07-21. Review status: criteria provided, single submitter. Criteria: Invitae Variant Classification Sherloc (09022015). Collection method: clinical testing. Allele origin: germline.
Comment: This sequence change replaces asparagine, which is neutral and polar, with histidine, which is basic and polar, at codon 234 of the ERCC4 protein (p.Asn234His). This variant is present in population databases (rs368218302, gnomAD 0.004%). This variant has not been reported in the literature in individuals affected with ERCC4-related conditions. ClinVar contains an entry for this variant (Variation ID: 1319876). Invitae Evidence Modeling of protein sequence and biophysical properties (such as structural, functional, and spatial information, amino acid conservation, physicochemical variation, residue mobility, and thermodynamic stability) has been performed for this missense variant. However, the output from this modeling did not meet the statistical confidence thresholds required to predict the impact of this variant on ERCC4 protein function. In summary, the available evidence is currently insufficient to determine the role of this variant in disease. Therefore, it has been classified as a Variant of Uncertain Significance.

Institute for Clinical Genetics, University Hospital TU Dresden, University Hospital TU Dresden
Classification: Uncertain significance. Last evaluated: 2021-11-03. Review status: criteria provided, single submitter. Criteria: ACMG Guidelines, 2015. Collection method: clinical testing. Allele origin: germline.